The following is an entry in ClinVar:

NM_000106.6(CYP2D6):c.31G>A (p.Val11Met)

Gene: CYP2D6 (cytochrome P450 family 2 subfamily D member 6 (gene/pseudogene); minus strand). Cytogenetic location: 22q13.2.
Variant type: single nucleotide variant.
Coding change: c.31G>A on transcript NM_000106.6 (MANE Select); coding-DNA position 31, G replaced by A.
Protein change: p.Val11Met; replaces valine 11 with methionine.
Molecular consequence: missense variant.
Genome position (GRCh38, 1-based): chr22:42,130,761, C>T on the plus strand (G>A on the coding strand, the complement: CYP2D6 is on the minus strand). VCF-style: chr22-42130761-C-T. GRCh37 (hg19) VCF-style: chr22-42526763-C-T.
Other names: c.31G>A, p.Val11Met (NM_001025161.3); short protein forms V11M.
Identifiers: ClinVar variation 676320 (VCV000676320.4), dbSNP rs769258, ClinGen allele CA10265379.
Genomic context (GRCh38, chr22:42,130,761, plus strand): 5'-CAGCCCAGCGTTGGCGCCGGTGCATCAGGTCCACCAGGAGCAGGAAGATGGCCACTATCA[C>T]GGCCAGGGGCACCAGTGCTTCTAGCCCCATACCTGCCTCACTACCAAATGGGCTCCTCTG-3'
Protein context (NP_000097.3, residues 1-21): MGLEALVPLA[Val11Met]IVAIFLLLVD

ClinVar aggregate classification (germline): Likely benign. Review status: criteria provided, multiple submitters, no conflicts (2 of 4 stars). 3 submissions from 3 submitters: Likely benign (2). 1 of the submissions does not count toward it. Last evaluated 2018-04-12.

Conditions:
Tramadol response. Also called: Ultram response. Identifiers: MedGen CN078023.

Allele frequency attached by ClinVar (database versions not stated): 1000 Genomes Project 30x 0.01765; TOPMed 0.03431; gnomAD 0.03995 and 0.03897; ESP Exome Variant Server 0.04122; gnomAD exomes 0.04876 and 0.03796; 1000 Genomes Project 0.01677; ExAC 0.05301.
gnomAD v4.1: 75,424 of 1,585,140 alleles (4.8%); highest among the groups gnomAD compares: Non-Finnish European, 5.6%; 4,366 homozygotes.

Submissions (3):

GeneDx
Classification: Likely benign. Last evaluated: 2018-04-12. Review status: criteria provided, single submitter. Criteria: GeneDx Variant Classification (06012015). Collection method: clinical testing. Allele origin: germline. Affected: yes.
Comment: This variant is considered likely benign or benign based on one or more of the following criteria: it is a conservative change, it occurs at a poorly conserved position in the protein, it is predicted to be benign by multiple in silico algorithms, and/or has population frequency not consistent with disease.

Breakthrough Genomics
Classification: Likely benign. Review status: criteria provided, single submitter. Criteria: ACMG Guidelines, 2015. Collection method: not provided. Allele origin: germline. Inheritance: Autosomal recessive inheritance. Affected: yes.

Bruce Budowle Laboratory, University of North Texas Health Science Center
Classification: drug response for Tramadol response. Last evaluated: 2018-04-28. Review status: no assertion criteria provided. Collection method: research. Allele origin: somatic. Affected: yes. Observed: 33 variant alleles. Not counted in ClinVar's aggregate classification.